The following is an entry in ClinVar:

ClinVar aggregate classification (germline): Uncertain significance. Review status: criteria provided, multiple submitters, no conflicts (2 of 4 stars). 2 submissions from 2 submitters: Uncertain significance (2). Last evaluated 2025-04-04.

Conditions:
Inborn genetic diseases. Identifiers: MedGen C0950123, MeSH D030342.

Allele frequency attached by ClinVar (database versions not stated): 1000 Genomes Project 30x 0.00031.
gnomAD v4.1: 19 of 1,533,508 alleles (0.0012%); highest among the groups gnomAD compares: Middle Eastern, 0.045%; no homozygotes.

Submissions (2):

Ambry Genetics
Classification: Uncertain significance for Inborn genetic diseases. Last evaluated: 2025-04-04. Review status: criteria provided, single submitter. Criteria: Ambry Variant Classification Scheme 2023. Collection method: clinical testing. Allele origin: germline.

GeneDx
Classification: Uncertain significance. Last evaluated: 2022-04-11. Review status: criteria provided, single submitter. Criteria: GeneDx Variant Classification Process June 2021. Collection method: clinical testing. Allele origin: germline. Affected: yes.
Comment: In silico analysis supports that this missense variant does not alter protein structure/function; Has not been previously published as pathogenic or benign to our knowledge

NM_032208.3(ANTXR1):c.1601C>A (p.Pro534Gln)

Gene: ANTXR1 (ANTXR cell adhesion molecule 1; plus strand). Cytogenetic location: 2p13.3.
Variant type: single nucleotide variant.
Coding change: c.1601C>A on transcript NM_032208.3 (MANE Select); coding-DNA position 1601, C replaced by A.
Protein change: p.Pro534Gln; replaces proline 534 with glutamine.
Molecular consequence: missense variant.
Genome position (GRCh38, 1-based): chr2:69,245,391, C>A. VCF-style: chr2-69245391-C-A. GRCh37 (hg19) VCF-style: chr2-69472523-C-A.
Other names: short protein forms P534Q.
Identifiers: ClinVar variation 1710800 (VCV001710800.6), dbSNP rs777405564, ClinGen allele CA1693450.
Genomic context (GRCh38, chr2:69,245,391, plus strand): 5'-CCCCACCTCCTGCGCCCCACTGCCCTCCCCCGCCCCCCAGCGCCCCTACCCCTCCCATCC[C>A]GTCCCCACCTTCCACCCTTCCCCCTCCTCCCCAGGCTCCACCTCCCAACAGGGCACCTCC-3'
Protein context (NP_115584.1, residues 524-544): PPPSAPTPPI[Pro534Gln]SPPSTLPPPP